The following is an entry in ClinVar:

NM_001754.5(RUNX1):c.418T>C (p.Tyr140His)

Genes: RUNX1-AS1 (RUNX1 antisense RNA 1; plus strand), RUNX1 (RUNX family transcription factor 1; minus strand). Cytogenetic location: 21q22.12.
Variant type: single nucleotide variant.
Coding change: c.418T>C on transcript NM_001754.5 (MANE Select); coding-DNA position 418, T replaced by C.
Protein change: p.Tyr140His; replaces tyrosine 140 with histidine.
Molecular consequence: missense variant.
Genome position (GRCh38, 1-based): chr21:34,880,647, A>G on the plus strand (T>C on the coding strand, the complement: RUNX1 is on the minus strand). VCF-style: chr21-34880647-A-G. GRCh37 (hg19) VCF-style: chr21-36252944-A-G.
Other names: NM_001754.5(RUNX1):c.418T>C; p.Tyr140His; c.337T>C, p.Tyr113His (NM_001001890.3, NM_001122607.2); short protein forms Y113H, Y140H.
Identifiers: ClinVar variation 1722154 (VCV001722154.7), dbSNP rs2146362551, ClinGen allele CA410202653.

ClinVar aggregate classification (germline): Uncertain significance. Review status: reviewed by expert panel (3 of 4 stars). 2 submissions from 2 submitters: Uncertain significance (1). 1 of the submissions does not count toward it. Last evaluated 2024-07-11.

Conditions:
Hereditary thrombocytopenia and hematological cancer predisposition syndrome associated with RUNX1. Also called: PLATELET DISORDER, ASPIRIN-LIKE; RUNX1 Familial Platelet Disorder with Associated Myeloid Malignancies; Familial Platelet Disorder with Propensity to Acute Myelogenous Leukemia; Familial thrombocytopenia with propensity to acute myelogenous leukemia. Identifiers: Orphanet 71290, MedGen C1832388, MeSH C563324, MONDO:0100083, OMIM 601399.
Hereditary thrombocytopenia and hematologic cancer predisposition syndrome. Identifiers: Orphanet 71290, MedGen CN281654, MONDO:0011071.

Submissions (2):

ClinGen Myeloid Malignancy Variant Curation Expert Panel
Classification: Uncertain significance for Hereditary thrombocytopenia and hematologic cancer predisposition syndrome. Last evaluated: 2024-07-11. Review status: reviewed by expert panel. Criteria: ClinGen MyeloMalig ACMG Specifications v2. Collection method: curation. Allele origin: germline. Inheritance: Autosomal dominant inheritance.
Comment: NM_001754.5(RUNX1): c.418T>C (p.Tyr140His) is a missense variant within the Runt Homology Domain (AA 89-204) (PM1_supporting). This variant has a REVEL score of 0.96 (PP3). Additionally, this variant is completely absent from all population databases with at least 20x coverage for RUNX1 (PM2_supporting). In summary, the clinical significance of this variant is uncertain. ACMG/AMP criteria applied, as specified by the Myeloid Malignancy Variant Curation Expert Panel for RUNX1: PP3, PM1_supporting, PM2_supporting.

Labcorp Genetics (formerly Invitae), Labcorp
Classification: Uncertain significance for Hereditary thrombocytopenia and hematological cancer predisposition syndrome associated with RUNX1. Last evaluated: 2024-01-25. Review status: criteria provided, single submitter. Criteria: Invitae Variant Classification Sherloc (09022015). Collection method: clinical testing. Allele origin: germline. Not counted in ClinVar's aggregate classification.
Comment: This sequence change replaces tyrosine, which is neutral and polar, with histidine, which is basic and polar, at codon 140 of the RUNX1 protein (p.Tyr140His). This variant is not present in population databases (gnomAD no frequency). This variant has not been reported in the literature in individuals affected with RUNX1-related conditions. ClinVar contains an entry for this variant (Variation ID: 1722154). Advanced modeling of protein sequence and biophysical properties (such as structural, functional, and spatial information, amino acid conservation, physicochemical variation, residue mobility, and thermodynamic stability) has been performed at Invitae for this missense variant, however the output from this modeling did not meet the statistical confidence thresholds required to predict the impact of this variant on RUNX1 protein function. In summary, the available evidence is currently insufficient to determine the role of this variant in disease. Therefore, it has been classified as a Variant of Uncertain Significance.